The following is an entry in ClinVar:

ClinVar aggregate classification (germline): Uncertain significance. Review status: criteria provided, multiple submitters, no conflicts (2 of 4 stars). 2 submissions from 2 submitters: Uncertain significance (2). Last evaluated 2022-12-12.

Conditions:
Cardiomyopathy (CMYO). Also called: Cardiomyopathies. Identifiers: Orphanet 167848, MedGen C0878544, MONDO:0004994, HP:0001638. Inheritance: Various modes of inheritance.

Allele frequency attached by ClinVar (database versions not stated): gnomAD 0.00001 and 0.00002; gnomAD exomes 0.00001 and 0.00003; TOPMed 0.00001; ExAC 0.00003.
gnomAD v4.1: 14 of 1,589,378 alleles (0.00088%); highest among the groups gnomAD compares: South Asian, 0.0079%; no homozygotes.

Submissions (2):

Color Diagnostics, LLC DBA Color Health
Classification: Uncertain significance for Cardiomyopathy. Last evaluated: 2022-12-12. Review status: criteria provided, single submitter. Criteria: ACMG Guidelines, 2015. Collection method: clinical testing. Allele origin: germline.
Comment: This variant is located in the 5' untranslated region of the MYBPC3 gene. Splice site prediction tools suggest that this variant may not impact RNA splicing. To our knowledge, functional studies have not been reported for this variant. This variant has not been reported in individuals affected with cardiovascular disorders in the literature. This variant has been identified in 6/225576 chromosomes in the general population by the Genome Aggregation Database (gnomAD). The available evidence is insufficient to determine the role of this variant in disease conclusively. Therefore, this variant is classified as a Variant of Uncertain Significance.

CHEO Genetics Diagnostic Laboratory, Children's Hospital of Eastern Ontario
Classification: Uncertain significance for Cardiomyopathy. Last evaluated: 2016-03-29. Review status: criteria provided, single submitter. Criteria: ACMG Guidelines, 2015. Collection method: clinical testing. Allele origin: germline. Study: Canadian Open Genetics Repository.

NM_000256.3(MYBPC3):c.-11C>T

Gene: MYBPC3 (myosin binding protein C3; minus strand). Cytogenetic location: 11p11.2.
Variant type: single nucleotide variant.
Coding change: c.-11C>T on transcript NM_000256.3 (MANE Select); 11 bases upstream of the start codon, C replaced by T.
Genome position (GRCh38, 1-based): chr11:47,352,658, G>A on the plus strand (C>T on the coding strand, the complement: MYBPC3 is on the minus strand). VCF-style: chr11-47352658-G-A. GRCh37 (hg19) VCF-style: chr11-47374209-G-A.
Other names: c.-11C>T (LRG_386t1).
Identifiers: ClinVar variation 626787 (VCV000626787.7), dbSNP rs762719022, ClinGen allele CA043099.